The following is an entry in ClinVar:

NM_002437.5(MPV17):c.375+2T>C

Gene: MPV17 (mitochondrial inner membrane protein MPV17; minus strand). Cytogenetic location: 2p23.3.
Variant type: single nucleotide variant.
Coding change: c.375+2T>C on transcript NM_002437.5 (MANE Select); the canonical splice donor site of the intron after coding-DNA position 375, T replaced by C.
Molecular consequence: splice donor variant.
Genome position (GRCh38, 1-based): chr2:27,312,492, A>G on the plus strand (T>C on the coding strand, the complement: MPV17 is on the minus strand). VCF-style: chr2-27312492-A-G. GRCh37 (hg19) VCF-style: chr2-27535359-A-G.
Other names: c.375+2T>C (NM_002437.4).
Identifiers: ClinVar variation 1469178 (VCV001469178.11), dbSNP rs1054997754, ClinGen allele CA44518176.

ClinVar aggregate classification (germline): Likely pathogenic. Review status: criteria provided, multiple submitters, no conflicts (2 of 4 stars). 4 submissions from 4 submitters: Likely pathogenic (4). Last evaluated 2026-04-15.

Conditions:
Charcot-Marie-Tooth disease, axonal, type 2EE. Also called: CHARCOT-MARIE-TOOTH NEUROPATHY, TYPE 2EE. Identifiers: MedGen C5193076, MONDO:0032728, OMIM 618400.
MPV17-related disorder. Also called: MPV17-related disorders; MPV17-related condition. Identifiers: MedGen CN239328.
Mitochondrial DNA depletion syndrome, hepatocerebral form. Identifiers: Orphanet 254871, MedGen C3711385, MONDO:0100512.

Allele frequency attached by ClinVar (database versions not stated): gnomAD exomes below 0.00001; gnomAD 0.00001; TOPMed 0.00003.
gnomAD v4.1: 2 of 1,613,722 alleles (0.00012%); highest among the groups gnomAD compares: Admixed American, 0.0033%; no homozygotes.

Submissions (4):

PreventionGenetics, part of Exact Sciences
Classification: Likely pathogenic for MPV17-related condition. Last evaluated: 2026-04-15. Review status: criteria provided, single submitter. Criteria: ACMG Guidelines, 2015. Collection method: clinical testing. Allele origin: germline.
Comment: The MPV17 c.375+2T>C variant is predicted to disrupt the GT donor site and interfere with normal splicing. To our knowledge, this variant has not been reported in the literature or in a large population database (gnomAD), indicating it is rare. Variants that disrupt the consensus splice donor site in MPV17 are expected to be pathogenic. This variant is interpreted as likely pathogenic.

Labcorp Genetics (formerly Invitae), Labcorp
Classification: Likely pathogenic. Last evaluated: 2025-12-08. Review status: criteria provided, single submitter. Criteria: Invitae Variant Classification Sherloc (09022015). Collection method: clinical testing. Allele origin: germline.
Comment: This sequence change affects a donor splice site in intron 5 of the MPV17 gene. It is expected to disrupt RNA splicing. Variants that disrupt the donor or acceptor splice site typically lead to a loss of protein function (PMID: 16199547), and loss-of-function variants in MPV17 are known to be pathogenic (PMID: 23714749). This variant is not present in population databases (gnomAD no frequency). This variant has not been reported in the literature in individuals affected with MPV17-related conditions. ClinVar contains an entry for this variant (Variation ID: 1469178). Algorithms developed to predict the effect of sequence changes on RNA splicing suggest that this variant may disrupt the consensus splice site. In summary, the currently available evidence indicates that the variant is pathogenic, but additional data are needed to prove that conclusively. Therefore, this variant has been classified as Likely Pathogenic.

Natera, Inc.
Classification: Likely pathogenic for Mitochondrial DNA depletion syndrome, hepatocerebral form. Last evaluated: 2025-02-22. Review status: criteria provided, single submitter. Criteria: Natera Variant Classification Schema (03/2026). Collection method: clinical testing. Allele origin: germline.
Comment: The c.375+2T>C variant in MPV17 is a canonical splice donor site variant predicted to affect pre-mRNA splicing, which may result in an abnormal transcript and altered protein product. This variant is expected to result in nonsense mediated decay, truncation, or a dysfunctional protein product. This variant is rare in the general population with a frequency below the threshold expected for the associated phenotype(s). Given the available evidence, this variant is classified as Likely Pathogenic.

Baylor Genetics
Classification: Likely pathogenic for Charcot-Marie-Tooth disease, axonal, type 2EE. Last evaluated: 2023-04-03. Review status: criteria provided, single submitter. Criteria: ACMG Guidelines, 2015. Collection method: clinical testing. Allele origin: unknown.

Literature cited by the submitters: PubMed 16199547 (cited by Labcorp Genetics (formerly Invitae), Labcorp); PubMed 23714749 (cited by Labcorp Genetics (formerly Invitae), Labcorp).